The following is an entry in ClinVar:

NM_000548.5(TSC2):c.1553G>T (p.Gly518Val)

Gene: TSC2 (TSC complex subunit 2; plus strand). Cytogenetic location: 16p13.3.
Variant type: single nucleotide variant.
Coding change: c.1553G>T on transcript NM_000548.5 (MANE Select); coding-DNA position 1553, G replaced by T.
Protein change: p.Gly518Val; replaces glycine 518 with valine.
Molecular consequence: missense variant.
Genome position (GRCh38, 1-based): chr16:2,064,381, G>T. VCF-style: chr16-2064381-G-T. GRCh37 (hg19) VCF-style: chr16-2114382-G-T.
Other names: c.1553G>T, p.Gly518Val (NM_001077183.3, NM_001114382.3, NM_001363528.2 and 3 more transcripts); c.1442G>T, p.Gly481Val (NM_001318827.2); c.1406G>T, p.Gly469Val (NM_001318829.2); c.953G>T, p.Gly318Val (NM_001318831.2); c.1586G>T, p.Gly529Val (NM_001318832.2); short protein forms G318V, G469V, G481V, G518V, G529V.
Identifiers: ClinVar variation 819497 (VCV000819497.16), dbSNP rs1229407025, ClinGen allele CA394326467.
Genomic context (GRCh38, chr16:2,064,381, plus strand): 5'-AGGATAAAGACCACCAGGTCCGAAAGCTGGCCACCCAGTTGCTGGTGGACCTGGCAGAGG[G>T]CTGCCACACACACCACTTCAACAGCCTGCTGGACATCATCGAGAAGGTGAGAGCCGTTGT-3'
Protein context (NP_000539.2, residues 508-528): ATQLLVDLAE[Gly518Val]CHTHHFNSLL

ClinVar aggregate classification (germline): Conflicting classifications of pathogenicity. Review status: criteria provided, conflicting classifications (1 of 4 stars). 5 submissions from 5 submitters: Uncertain significance (4); Benign (1). Last evaluated 2025-10-13.

Conditions:
Tuberous sclerosis syndrome (TSC). Also called: Tuberous Sclerosis Complex; Tuberous sclerosis. Identifiers: Orphanet 805, MedGen C0041341, MONDO:0001734.
Tuberous sclerosis 2 (TSC2). Identifiers: Orphanet 805, MedGen C1860707, MONDO:0013199, OMIM 613254.
Hereditary cancer-predisposing syndrome. Also called: Hereditary Cancer Syndrome; Neoplastic Syndromes, Hereditary; Hereditary neoplastic syndrome; Tumor predisposition. Identifiers: Orphanet 140162, MedGen C0027672, MeSH D009386, MONDO:0015356.

Allele frequency attached by ClinVar (database versions not stated): gnomAD exomes below 0.00001.
gnomAD v4.1: 1 of 1,613,676 alleles (0.000062%); highest among the groups gnomAD compares: Admixed American, 0.0017%; no homozygotes.

Submissions (5):

Labcorp Genetics (formerly Invitae), Labcorp
Classification: Benign for Tuberous sclerosis 2. Last evaluated: 2025-10-13. Review status: criteria provided, single submitter. Criteria: Invitae Variant Classification Sherloc (09022015). Collection method: clinical testing. Allele origin: germline.

GeneDx
Classification: Uncertain significance. Last evaluated: 2025-03-11. Review status: criteria provided, single submitter. Criteria: GeneDx Variant Classification Process June 2021. Collection method: clinical testing. Allele origin: germline. Affected: yes.
Comment: In silico analysis supports that this missense variant has a deleterious effect on protein structure/function; Has not been previously published as pathogenic or benign to our knowledge

All of Us Research Program, National Institutes of Health
Classification: Uncertain significance for Tuberous sclerosis syndrome. Last evaluated: 2024-05-14. Review status: criteria provided, single submitter. Criteria: ACMG Guidelines, 2015. Collection method: clinical testing. Allele origin: germline. Inheritance: Autosomal dominant inheritance. Observed: 1 variant allele, 1 heterozygote.
Comment: This missense variant replaces glycine with valine at codon 518 of the TSC2 protein. Computational prediction suggests that this variant may not impact protein structure and function (internally defined REVEL score threshold <= 0.5, PMID: 27666373). To our knowledge, functional studies have not been reported for this variant. This variant has not been reported in individuals affected with tuberous sclerosis complex in the literature. This variant has been identified in 1/251106 chromosomes in the general population by the Genome Aggregation Database (gnomAD). The available evidence is insufficient to determine the role of this variant in disease conclusively. Therefore, this variant is classified as a Variant of Uncertain Significance.

This study involves interpretation of variants in research participants for the purpose of population health screening. Participant phenotype was not available at the time of variant classification. Additional details can be found in publication PMID: 35346344, PMCID: PMC8962531

Ambry Genetics
Classification: Uncertain significance for Hereditary cancer-predisposing syndrome. Last evaluated: 2023-10-26. Review status: criteria provided, single submitter. Criteria: Ambry Variant Classification Scheme 2023. Collection method: clinical testing. Allele origin: germline.
Comment: The p.G518V variant (also known as c.1553G>T), located in coding exon 14 of the TSC2 gene, results from a G to T substitution at nucleotide position 1553. The glycine at codon 518 is replaced by valine, an amino acid with dissimilar properties. This amino acid position is highly conserved in available vertebrate species. In addition, the in silico prediction for this alteration is inconclusive. Since supporting evidence is limited at this time, the clinical significance of this alteration remains unclear.

Genome-Nilou Lab
Classification: Uncertain significance for Tuberous sclerosis 2. Last evaluated: 2021-11-07. Review status: criteria provided, single submitter. Criteria: ACMG Guidelines, 2015. Collection method: clinical testing. Allele origin: germline. Affected: no.